The following is an entry in ClinVar:

NM_001365999.1(SZT2):c.7892G>A (p.Arg2631His)

Gene: SZT2 (SZT2 subunit of KICSTOR complex; plus strand). Cytogenetic location: 1p34.2.
Variant type: single nucleotide variant.
Coding change: c.7892G>A on transcript NM_001365999.1 (MANE Select); coding-DNA position 7892, G replaced by A.
Protein change: p.Arg2631His; replaces arginine 2631 with histidine.
Molecular consequence: missense variant.
Genome position (GRCh38, 1-based): chr1:43,442,286, G>A. VCF-style: chr1-43442286-G-A. GRCh37 (hg19) VCF-style: chr1-43907957-G-A.
Other names: c.7721G>A, p.Arg2574His (NM_015284.4); short protein forms R2574H, R2631H.
Identifiers: ClinVar variation 856756 (VCV000856756.8), dbSNP rs769989601, ClinGen allele CA810400.

ClinVar aggregate classification (germline): Uncertain significance. Review status: criteria provided, multiple submitters, no conflicts (2 of 4 stars). 2 submissions from 2 submitters: Uncertain significance (2). Last evaluated 2024-07-02.

Allele frequency attached by ClinVar (database versions not stated): gnomAD 0.00001; gnomAD exomes 0.00001; ExAC 0.00002; TOPMed 0.00003.
gnomAD v4.1: 27 of 1,613,724 alleles (0.0017%); highest among the groups gnomAD compares: Non-Finnish European, 0.0023%; no homozygotes.

Submissions (2):

GeneDx
Classification: Uncertain significance. Last evaluated: 2024-07-02. Review status: criteria provided, single submitter. Criteria: GeneDx Variant Classification Process June 2021. Collection method: clinical testing. Allele origin: germline. Affected: yes.
Comment: Not observed at significant frequency in large population cohorts (gnomAD); In silico analysis supports that this missense variant has a deleterious effect on protein structure/function; Has not been previously published as pathogenic or benign to our knowledge

Labcorp Genetics (formerly Invitae), Labcorp
Classification: Uncertain significance. Last evaluated: 2022-07-31. Review status: criteria provided, single submitter. Criteria: Invitae Variant Classification Sherloc (09022015). Collection method: clinical testing. Allele origin: germline.
Comment: This sequence change replaces arginine, which is basic and polar, with histidine, which is basic and polar, at codon 2574 of the SZT2 protein (p.Arg2574His). This variant is present in population databases (rs769989601, gnomAD 0.004%). This variant has not been reported in the literature in individuals affected with SZT2-related conditions. ClinVar contains an entry for this variant (Variation ID: 856756). Algorithms developed to predict the effect of missense changes on protein structure and function are either unavailable or do not agree on the potential impact of this missense change (SIFT: "Tolerated"; PolyPhen-2: "Probably Damaging"; Align-GVGD: "Class C0"). In summary, the available evidence is currently insufficient to determine the role of this variant in disease. Therefore, it has been classified as a Variant of Uncertain Significance.